The following is an entry in ClinVar:

NM_001378454.1(ALMS1):c.4347dup (p.Glu1450Ter)

Gene: ALMS1 (ALMS1 centrosome and basal body associated protein; plus strand). Cytogenetic location: 2p13.1.
Variant type: Duplication.
Coding change: c.4347dup on transcript NM_001378454.1 (MANE Select); coding-DNA position 4347, one base duplicated (T; older notation c.4347dupT).
Protein change: p.Glu1450Ter; replaces glutamic acid 1450 with a stop codon.
Molecular consequence: nonsense.
Genome position (GRCh38, 1-based): chr2:73,450,874, T duplicated. VCF-style (leftmost placement, unchanged base first): chr2-73450873-C-CT. GRCh37 (hg19) VCF-style: chr2-73678000-C-CT.
Other names: c.4350dup, p.Glu1451Ter (NM_015120.4); c.4350dupT (NM_015120.4); short protein forms E1451*, E1450*.
Identifiers: ClinVar variation 557563 (VCV000557563.10), dbSNP rs778728424, ClinGen allele CA1713694.

ClinVar aggregate classification (germline): Pathogenic/Likely pathogenic. Review status: criteria provided, multiple submitters, no conflicts (2 of 4 stars). 5 submissions from 5 submitters: Pathogenic (1); Likely pathogenic (3). 1 of the submissions does not count toward it. Last evaluated 2025-03-28.

Conditions:
Alstrom syndrome (ALMS). Identifiers: Orphanet 64, MedGen C0268425, MONDO:0008763, OMIM 203800.
ALMS1-related disorder. Also called: ALMS1-related condition.

Allele frequency attached by ClinVar (database versions not stated): ExAC 0.00001; gnomAD 0.00001; TOPMed 0.00001; ESP Exome Variant Server 0.00009.

Submissions (5):

Natera, Inc.
Classification: Likely pathogenic for Alstrom syndrome. Last evaluated: 2025-03-28. Review status: criteria provided, single submitter. Criteria: Natera Variant Classification Schema (03/2026). Collection method: clinical testing. Allele origin: germline.
Comment: The c.4350dup variant in ALMS1 is a frameshift variant predicted to shift the reading frame and introduce a stop codon. This variant is expected to result in nonsense mediated decay, truncation, or a dysfunctional protein product. This variant is rare in the general population with a frequency below the threshold expected for the associated phenotype(s). Given the available evidence, this variant is classified as Likely Pathogenic.

Blueprint Genetics
Classification: Likely pathogenic for ALMS1-related disorders. Last evaluated: 2024-02-21. Review status: criteria provided, single submitter. Criteria: ACMG Guidelines, 2015. Collection method: clinical testing. Allele origin: germline. Affected: yes. Observed: 2 variant alleles.

Labcorp Genetics (formerly Invitae), Labcorp
Classification: Pathogenic for Alstrom syndrome. Last evaluated: 2023-12-27. Review status: criteria provided, single submitter. Criteria: Invitae Variant Classification Sherloc (09022015). Collection method: clinical testing. Allele origin: germline.
Comment: This sequence change creates a premature translational stop signal (p.Glu1451*) in the ALMS1 gene. It is expected to result in an absent or disrupted protein product. Loss-of-function variants in ALMS1 are known to be pathogenic (PMID: 17594715). This variant is present in population databases (rs778728424, gnomAD 0.0009%). This variant has not been reported in the literature in individuals affected with ALMS1-related conditions. ClinVar contains an entry for this variant (Variation ID: 557563). For these reasons, this variant has been classified as Pathogenic.

Women's Health and Genetics/Laboratory Corporation of America, LabCorp
Classification: Likely pathogenic for Alstrom syndrome. Last evaluated: 2022-12-06. Review status: criteria provided, single submitter. Criteria: LabCorp Variant Classification Summary - May 2015. Collection method: clinical testing. Allele origin: germline.
Comment: Variant summary: ALMS1 c.4344dupT/p.Glu1449X (also known as c.4350dupT/p.Glu1451X in RefSeq) results in a premature termination codon, predicted to cause a truncation of the encoded protein or absence of the protein due to nonsense mediated decay, which are commonly known mechanisms for disease. Truncations downstream of this position have been classified as pathogenic by our laboratory. The variant was absent in 249282 control chromosomes. To our knowledge, no occurrence of c.4344dupT in individuals affected with Alstrom Syndrome and no experimental evidence demonstrating its impact on protein function have been reported. One clinical diagnostic laboratory has submitted clinical-significance assessments for this variant to ClinVar after 2014 without evidence for independent evaluation and classified the variant as likely pathogenic. Based on the evidence outlined above, the variant was classified as likely pathogenic.

Counsyl
Classification: Likely pathogenic for Alstrom syndrome. Last evaluated: 2018-03-29. Review status: no assertion criteria provided. Collection method: clinical testing. Allele origin: unknown. Not counted in ClinVar's aggregate classification.

Literature cited by the submitters: PubMed 17594715 (cited by Labcorp Genetics (formerly Invitae), Labcorp).